The following is an entry in ClinVar:

NM_020831.6(MRTFA):c.1699G>A (p.Asp567Asn)

Gene: MRTFA (myocardin related transcription factor A; minus strand). Cytogenetic location: 22q13.1.
Variant type: single nucleotide variant.
Coding change: c.1699G>A on transcript NM_020831.6 (MANE Select); coding-DNA position 1699, G replaced by A.
Protein change: p.Asp567Asn; replaces aspartic acid 567 with asparagine.
Molecular consequence: missense variant.
Genome position (GRCh38, 1-based): chr22:40,419,039, C>T on the plus strand (G>A on the coding strand, the complement: MRTFA is on the minus strand). VCF-style: chr22-40419039-C-T. GRCh37 (hg19) VCF-style: chr22-40815043-C-T.
Other names: c.1399G>A, p.Asp467Asn (NM_001282660.2); c.1549G>A, p.Asp517Asn (NM_001282661.3); c.1699G>A, p.Asp567Asn (NM_001282662.3); c.1504G>A, p.Asp502Asn (NM_001318139.2); c.1399G>A (NM_020831.3); short protein forms D467N, D502N, D517N, D567N.
Identifiers: ClinVar variation 1683049 (VCV001683049.9), dbSNP rs141109536, ClinGen allele CA10249583.
Genomic context (GRCh38, chr22:40,419,039, plus strand): 5'-GCTGCGTCAGAGGTGATGTCACCATCTCACCAAAGGTGTCCCCGGGGGTGGAGTTTTCAT[C>T]GCCCGTGCTGAGCAGTGAGCGCTCCGAGGGGGTGGGAGACACGGGGGGCGTGGAGCCCGT-3'
Protein context (NP_065882.2, residues 557-577): PSERSLLSTG[Asp567Asn]ENSTPGDTFG

ClinVar aggregate classification (germline): Uncertain significance. Review status: criteria provided, multiple submitters, no conflicts (2 of 4 stars). 2 submissions from 2 submitters: Uncertain significance (2). Last evaluated 2025-06-18.

Allele frequency attached by ClinVar (database versions not stated): gnomAD 0.00003 and 0.00004; TOPMed 0.00003; gnomAD exomes 0.00005 and 0.00007; ESP Exome Variant Server 0.00008; ExAC 0.00010.
gnomAD v4.1: 72 of 1,611,996 alleles (0.0045%); highest among the groups gnomAD compares: South Asian, 0.021%; no homozygotes.

Submissions (2):

Labcorp Genetics (formerly Invitae), Labcorp
Classification: Uncertain significance. Last evaluated: 2025-06-18. Review status: criteria provided, single submitter. Criteria: Invitae Variant Classification Sherloc (09022015). Collection method: clinical testing. Allele origin: germline.
Comment: This sequence change replaces aspartic acid, which is acidic and polar, with asparagine, which is neutral and polar, at codon 467 of the MKL1 protein (p.Asp467Asn). This variant is present in population databases (rs141109536, gnomAD 0.03%). This variant has not been reported in the literature in individuals affected with MKL1-related conditions. ClinVar contains an entry for this variant (Variation ID: 1683049). An algorithm developed to predict the effect of missense changes on protein structure and function (PolyPhen-2) suggests that this variant is likely to be disruptive. In summary, the available evidence is currently insufficient to determine the role of this variant in disease. Therefore, it has been classified as a Variant of Uncertain Significance.

Ambry Genetics
Classification: Uncertain significance. Last evaluated: 2023-09-13. Review status: criteria provided, single submitter. Criteria: Ambry Variant Classification Scheme 2023. Collection method: clinical testing. Allele origin: germline.